The following is an entry in ClinVar:

ClinVar aggregate classification (germline): Uncertain significance (1 of 4 stars; one submission).

Allele frequency attached by ClinVar (database versions not stated): ExAC 0.00001; gnomAD 0.00001; gnomAD exomes 0.00001; TOPMed 0.00001.
gnomAD v4.1: 35 of 1,585,688 alleles (0.0022%); highest among the groups gnomAD compares: Non-Finnish European, 0.003%; no homozygotes.

Submission:

Labcorp Genetics (formerly Invitae), Labcorp
Classification: Uncertain significance. Last evaluated: 2021-07-18. Review status: criteria provided, single submitter. Criteria: Invitae Variant Classification Sherloc (09022015). Collection method: clinical testing. Allele origin: germline.
Comment: Algorithms developed to predict the effect of missense changes on protein structure and function output the following: SIFT: "Tolerated"; PolyPhen-2: "Benign"; Align-GVGD: "Class C0". The phenylalanine amino acid residue is found in multiple mammalian species, which suggests that this missense change does not adversely affect protein function. This variant has not been reported in the literature in individuals affected with IFNAR1-related conditions. This variant is present in population databases (rs780601546, ExAC 0.001%). This sequence change replaces leucine with phenylalanine at codon 472 of the IFNAR1 protein (p.Leu472Phe). The leucine residue is weakly conserved and there is a small physicochemical difference between leucine and phenylalanine. In summary, the available evidence is currently insufficient to determine the role of this variant in disease. Therefore, it has been classified as a Variant of Uncertain Significance.

NM_000629.3(IFNAR1):c.1414C>T (p.Leu472Phe)

Gene: IFNAR1 (interferon alpha and beta receptor subunit 1; plus strand). Cytogenetic location: 21q22.11.
Variant type: single nucleotide variant.
Coding change: c.1414C>T on transcript NM_000629.3 (MANE Select); coding-DNA position 1414, C replaced by T.
Protein change: p.Leu472Phe; replaces leucine 472 with phenylalanine.
Molecular consequence: missense variant. On other transcripts: intron variant (1).
Genome position (GRCh38, 1-based): chr21:33,353,757, C>T. VCF-style: chr21-33353757-C-T. GRCh37 (hg19) VCF-style: chr21-34726063-C-T.
Other names: c.1414C>T, p.Leu472Phe (NM_001384498.1, NM_001384503.1); c.652C>T, p.Leu218Phe (NM_001384500.1); c.1399C>T, p.Leu467Phe (NM_001384501.1); c.952C>T, p.Leu318Phe (NM_001384502.1); c.1207C>T, p.Leu403Phe (NM_001384504.1); c.1294+849C>T (NM_001384499.1); short protein forms L467F, L472F, L318F, L218F, L403F.
Identifiers: ClinVar variation 1368423 (VCV001368423.8), dbSNP rs780601546, ClinGen allele CA10006752.